The following is an entry in ClinVar:

ClinVar aggregate classification (germline): Uncertain significance (1 of 4 stars; one submission).

gnomAD v4.1: 1 of 1,613,588 alleles (0.000062%); highest among the groups gnomAD compares: Non-Finnish European, 0.000085%; no homozygotes.

Submission:

Labcorp Genetics (formerly Invitae), Labcorp
Classification: Uncertain significance. Last evaluated: 2024-08-03. Review status: criteria provided, single submitter. Criteria: Invitae Variant Classification Sherloc (09022015). Collection method: clinical testing. Allele origin: germline.
Comment: This sequence change replaces proline, which is neutral and non-polar, with arginine, which is basic and polar, at codon 1943 of the CACNA1E protein (p.Pro1943Arg). This variant is not present in population databases (gnomAD no frequency). This variant has not been reported in the literature in individuals affected with CACNA1E-related conditions. Advanced modeling of protein sequence and biophysical properties (such as structural, functional, and spatial information, amino acid conservation, physicochemical variation, residue mobility, and thermodynamic stability) performed at Invitae indicates that this missense variant is not expected to disrupt CACNA1E protein function with a negative predictive value of 95%. In summary, the available evidence is currently insufficient to determine the role of this variant in disease. Therefore, it has been classified as a Variant of Uncertain Significance.

NM_001205293.3(CACNA1E):c.5828C>G (p.Pro1943Arg)

Gene: CACNA1E (calcium voltage-gated channel subunit alpha1 E; plus strand). Cytogenetic location: 1q25.3.
Variant type: single nucleotide variant.
Coding change: c.5828C>G on transcript NM_001205293.3 (MANE Select); coding-DNA position 5828, C replaced by G.
Protein change: p.Pro1943Arg; replaces proline 1943 with arginine.
Molecular consequence: missense variant.
Genome position (GRCh38, 1-based): chr1:181,790,486, C>G. VCF-style: chr1-181790486-C-G. GRCh37 (hg19) VCF-style: chr1-181759622-C-G.
Other names: c.5828C>G, p.Pro1943Arg (NM_000721.4); c.5771C>G, p.Pro1924Arg (NM_001205294.2); short protein forms P1943R, P1924R.
Identifiers: ClinVar variation 3633689 (VCV003633689.2).